The following is an entry in ClinVar:

ClinVar aggregate classification (germline): Uncertain significance (1 of 4 stars; one submission).

Submission:

GeneDx
Classification: Uncertain significance. Last evaluated: 2024-12-27. Review status: criteria provided, single submitter. Criteria: GeneDx Variant Classification Process June 2021. Collection method: clinical testing. Allele origin: germline. Affected: yes.
Comment: Not observed at significant frequency in large population cohorts (gnomAD); In silico analysis supports that this missense variant has a deleterious effect on protein structure/function; Has not been previously published as pathogenic or benign to our knowledge

NM_002618.4(PEX13):c.287A>G (p.Tyr96Cys)

Gene: PEX13 (peroxisomal biogenesis factor 13; plus strand). Cytogenetic location: 2p15.
Variant type: single nucleotide variant.
Coding change: c.287A>G on transcript NM_002618.4 (MANE Select); coding-DNA position 287, A replaced by G.
Protein change: p.Tyr96Cys; replaces tyrosine 96 with cysteine.
Molecular consequence: missense variant.
Genome position (GRCh38, 1-based): chr2:61,031,613, A>G. VCF-style: chr2-61031613-A-G. GRCh37 (hg19) VCF-style: chr2-61258748-A-G.
Other names: short protein forms Y96C.
Identifiers: ClinVar variation 3371521 (VCV003371521.2).